The following is an entry in ClinVar:

NM_001754.5(RUNX1):c.698G>A (p.Arg233His)

Gene: RUNX1 (RUNX family transcription factor 1; minus strand). Cytogenetic location: 21q22.12.
Variant type: single nucleotide variant.
Coding change: c.698G>A on transcript NM_001754.5 (MANE Select); coding-DNA position 698, G replaced by A.
Protein change: p.Arg233His; replaces arginine 233 with histidine.
Molecular consequence: missense variant.
Genome position (GRCh38, 1-based): chr21:34,834,517, C>T on the plus strand (G>A on the coding strand, the complement: RUNX1 is on the minus strand). VCF-style: chr21-34834517-C-T. GRCh37 (hg19) VCF-style: chr21-36206814-C-T.
Other names: NM_001754.4(RUNX1):c.698G>A; c.617G>A, p.Arg206His (NM_001001890.3, NM_001122607.2); short protein forms R233H, R206H.
Identifiers: ClinVar variation 415832 (VCV000415832.20), dbSNP rs150042294, ClinGen allele CA10014373.

ClinVar aggregate classification (germline): Likely benign. Review status: reviewed by expert panel (3 of 4 stars). 6 submissions from 6 submitters: Likely benign (1). 5 of the submissions do not count toward it. Last evaluated 2019-07-26.

Conditions:
RUNX1-related disorder. Also called: RUNX1-related condition.
Inborn genetic diseases. Identifiers: MedGen C0950123, MeSH D030342.
Hereditary cancer-predisposing syndrome. Also called: Tumor predisposition; Hereditary Cancer Syndrome; Hereditary neoplastic syndrome; Neoplastic Syndromes, Hereditary. Identifiers: Orphanet 140162, MedGen C0027672, MeSH D009386, MONDO:0015356.
Hereditary thrombocytopenia and hematological cancer predisposition syndrome associated with RUNX1. Also called: Familial Platelet Disorder with Propensity to Acute Myelogenous Leukemia; Familial thrombocytopenia with propensity to acute myelogenous leukemia; PLATELET DISORDER, ASPIRIN-LIKE; RUNX1 Familial Platelet Disorder with Associated Myeloid Malignancies. Identifiers: Orphanet 71290, MedGen C1832388, MeSH C563324, MONDO:0100083, OMIM 601399.

Allele frequency attached by ClinVar (database versions not stated): gnomAD exomes 0.00005 and 0.00012; 1000 Genomes Project 30x 0.00016; ExAC 0.00016; 1000 Genomes Project 0.00020; ESP Exome Variant Server 0.00023; gnomAD 0.00034 and 0.00036; TOPMed 0.00035.
gnomAD v4.1: 121 of 1,612,896 alleles (0.0075%); highest among the groups gnomAD compares: African/African-American, 0.12%; no homozygotes.

Submissions (6):

ClinGen Myeloid Malignancy Variant Curation Expert Panel
Classification: Likely benign for Familial platelet disorder with associated myeloid malignancy. Last evaluated: 2019-07-26. Review status: reviewed by expert panel. Criteria: ClinGen MyeloMalig ACMG Specifications v1. Collection method: curation. Allele origin: germline. Inheritance: Autosomal dominant inheritance.
Comment: The NM_001754.4:c.698G>A (p.Arg233His) variant has a MAF of 0.00142 (0.142%, 34/23,970 alleles) in the African subpopulation of the gnomAD cohort that is between 0.00015 (0.015%) and 0.0015 (0.15%) (BS1). We allow a variant to reach a likely benign classification based on BS1 alone if there is no contradictory evidence supporting pathogenicity. In summary, this variant meets criteria to be classified as likely benign. ACMG/AMP criteria applied, as specified by the ClinGen Myeloid Malignancy Variant Curation Expert Panel for RUNX1: BS1.

Labcorp Genetics (formerly Invitae), Labcorp
Classification: Likely benign for Hereditary thrombocytopenia and hematological cancer predisposition syndrome associated with RUNX1. Last evaluated: 2025-11-22. Review status: criteria provided, single submitter. Criteria: Invitae Variant Classification Sherloc (09022015). Collection method: clinical testing. Allele origin: germline. Not counted in ClinVar's aggregate classification.

Ambry Genetics
Classification: Likely benign for Inborn genetic diseases. Last evaluated: 2024-06-28. Review status: criteria provided, single submitter. Criteria: Ambry Variant Classification Scheme 2023. Collection method: clinical testing. Allele origin: germline. Not counted in ClinVar's aggregate classification.

GeneDx
Classification: Uncertain significance. Last evaluated: 2022-10-21. Review status: criteria provided, single submitter. Criteria: GeneDx Variant Classification Process June 2021. Collection method: clinical testing. Allele origin: germline. Affected: yes. Not counted in ClinVar's aggregate classification.
Comment: In silico analysis supports that this missense variant does not alter protein structure/function; Has not been previously published as pathogenic or benign to our knowledge

Sema4
Classification: Likely benign for Hereditary cancer-predisposing syndrome. Last evaluated: 2021-06-12. Review status: criteria provided, single submitter. Criteria: Sema4 Curation Guidelines. Collection method: curation. Allele origin: germline. Not counted in ClinVar's aggregate classification.

PreventionGenetics, part of Exact Sciences
Classification: Likely benign for RUNX1-related condition. Last evaluated: 2020-12-18. Review status: no assertion criteria provided. Collection method: clinical testing. Allele origin: germline. Not counted in ClinVar's aggregate classification.
Comment: This variant is classified as likely benign based on ACMG/AMP sequence variant interpretation guidelines (Richards et al. 2015 PMID: 25741868, with internal and published modifications).

Literature cited by the submitters: PubMed 26580448 (cited by Sema4).